The following is an entry in ClinVar:

NM_000127.3(EXT1):c.4C>T (p.Gln2Ter)

Gene: EXT1 (exostosin glycosyltransferase 1; minus strand). Cytogenetic location: 8q24.11.
Variant type: single nucleotide variant.
Coding change: c.4C>T on transcript NM_000127.3 (MANE Select); coding-DNA position 4, C replaced by T.
Protein change: p.Gln2Ter; replaces glutamine 2 with a stop codon.
Molecular consequence: nonsense.
Genome position (GRCh38, 1-based): chr8:118,111,043, G>A on the plus strand (C>T on the coding strand, the complement: EXT1 is on the minus strand). VCF-style: chr8-118111043-G-A. GRCh37 (hg19) VCF-style: chr8-119123282-G-A.
Other names: short protein forms Q2*.
Identifiers: ClinVar variation 837149 (VCV000837149.11), dbSNP rs1817895168, ClinGen allele CA371916804.
Genomic context (GRCh38, chr8:118,111,043, plus strand): 5'-AAAACAAAAGGGCGAGACAAGAGCCAGCTGAGAGCAGGATGAAATAGCGTTTTTTGGCCT[G>A]CATGTGTCCTGCCTGGGTCAAGAGGATTGTAAATAAACACAAGAATCACCCAAGTTTCCC-3'

ClinVar aggregate classification (germline): Pathogenic. Review status: criteria provided, multiple submitters, no conflicts (2 of 4 stars). 3 submissions from 3 submitters: Pathogenic (3). Last evaluated 2025-08-04.

Conditions:
Exostoses, multiple, type 1 (EXT1). Also called: Hereditary Multiple Osteochondromatosis, Type I; EXOSTOSES, MULTIPLE, TYPE I. Identifiers: MedGen CN263289, MONDO:0007585, OMIM 133700.
Chondrosarcoma. Also called: Chondrosarcoma, somatic. Identifiers: Orphanet 55880, MedGen C0008479, MONDO:0008977, OMIM 215300, HP:0006765.
Multiple congenital exostosis (EXT). Also called: Hereditary multiple exostoses; Hereditary multiple exostosis; Hereditary multiple osteochondromas; MULTIPLE CARTILAGINOUS EXOSTOSES; Multiple exostoses; Multiple osteochondromas. Identifiers: Orphanet 321, MedGen C0015306, MONDO:0005508, HP:0002762.

Submissions (3):

Labcorp Genetics (formerly Invitae), Labcorp
Classification: Pathogenic for Multiple congenital exostosis. Last evaluated: 2025-08-04. Review status: criteria provided, single submitter. Criteria: Invitae Variant Classification Sherloc (09022015). Collection method: clinical testing. Allele origin: germline.
Comment: This sequence change creates a premature translational stop signal (p.Gln2*) in the EXT1 gene. It is expected to result in an absent or disrupted protein product. Loss-of-function variants in EXT1 are known to be pathogenic (PMID: 10679937, 11391482, 19810120). This variant is not present in population databases (gnomAD no frequency). This premature translational stop signal has been observed in individual(s) with multiple osteochondromas (PMID: 16088908). ClinVar contains an entry for this variant (Variation ID: 837149). For these reasons, this variant has been classified as Pathogenic.

3billion
Classification: Pathogenic for Exostoses, multiple, type 1. Last evaluated: 2023-02-23. Review status: criteria provided, single submitter. Criteria: ACMG Guidelines, 2015. Collection method: clinical testing. Allele origin: unknown. Affected: yes.
Comment: The variant is not observed in the gnomAD v2.1.1 dataset. This variant was predicted to result in a loss or disruption of normal protein function through nonsense-mediated decay (NMD) or protein truncation. Multiple pathogenic variants are reported downstream of the variant. The variant has been reported to be associated with EXT1 related disorder (ClinVar ID: VCV000837149 / PMID: 16088908). Therefore, this variant is classified as Pathogenic according to the recommendation of ACMG/AMP guideline.

Baylor Genetics
Classification: Pathogenic for Chondrosarcoma. Last evaluated: 2022-09-06. Review status: criteria provided, single submitter. Criteria: ACMG Guidelines, 2015. Collection method: clinical testing. Allele origin: unknown.

Literature cited by the submitters: PubMed 10679937 (cited by Labcorp Genetics (formerly Invitae), Labcorp); PubMed 11391482 (cited by Labcorp Genetics (formerly Invitae), Labcorp); PubMed 19810120 (cited by Labcorp Genetics (formerly Invitae), Labcorp); PubMed 16088908 (cited by Labcorp Genetics (formerly Invitae), Labcorp and 3billion).